The following is an entry in ClinVar:

NM_017677.4(MTMR8):c.2008T>A (p.Leu670Met)

Gene: MTMR8 (myotubularin related protein 8; minus strand). Cytogenetic location: Xq11.2.
Variant type: single nucleotide variant.
Coding change: c.2008T>A on transcript NM_017677.4 (MANE Select); coding-DNA position 2008, T replaced by A.
Protein change: p.Leu670Met; replaces leucine 670 with methionine.
Molecular consequence: missense variant.
Genome position (GRCh38, 1-based): chrX:64,268,644, A>T on the plus strand (T>A on the coding strand, the complement: MTMR8 is on the minus strand). VCF-style: chrX-64268644-A-T. GRCh37 (hg19) VCF-style: chrX-63488524-A-T.
Other names: short protein forms L670M.
Identifiers: ClinVar variation 3037512 (VCV003037512.2), dbSNP rs73227152, ClinGen allele CA10432780.
Genomic context (GRCh38, chrX:64,268,644, plus strand): 5'-TGCCTGTGTCCCCCAAGATGCCCATGTCCCCAGAGAAACCCCTGGCCTCAGAAATACCCA[A>T]GTTTCCAGAGATGCCAGTGGCCTCAGAGATGTCCATGGCCCCACAGATTCCTAAGTCTTT-3'
Protein context (NP_060147.2, residues 660-680): ISEATGISGN[Leu670Met]GISEARGFSG

ClinVar aggregate classification (germline): Benign (0 of 4 stars; one submission).

Conditions:
MTMR8-related disorder. Also called: MTMR8-related condition.

Allele frequency attached by ClinVar (database versions not stated): ESP Exome Variant Server 0.00275; 1000 Genomes Project 30x 0.00312; 1000 Genomes Project 0.00318; gnomAD exomes 0.00655; ExAC 0.00726.
gnomAD v4.1: 7,967 of 1,209,405 alleles (0.66%); highest among the groups gnomAD compares: Middle Eastern, 0.87%; 46 homozygotes.

Submission:

PreventionGenetics, part of Exact Sciences
Classification: Benign for MTMR8-related condition. Last evaluated: 2019-05-31. Review status: no assertion criteria provided. Collection method: clinical testing. Allele origin: germline.
Comment: This variant is classified as benign based on ACMG/AMP sequence variant interpretation guidelines (Richards et al. 2015 PMID: 25741868, with internal and published modifications).